The following is an entry in ClinVar:

NM_006231.4(POLE):c.1357C>G (p.Gln453Glu)

Gene: POLE (DNA polymerase epsilon, catalytic subunit; minus strand). Cytogenetic location: 12q24.33.
Variant type: single nucleotide variant.
Coding change: c.1357C>G on transcript NM_006231.4 (MANE Select); coding-DNA position 1357, C replaced by G.
Protein change: p.Gln453Glu; replaces glutamine 453 with glutamic acid.
Molecular consequence: missense variant.
Genome position (GRCh38, 1-based): chr12:132,673,577, G>C on the plus strand (C>G on the coding strand, the complement: POLE is on the minus strand). VCF-style: chr12-132673577-G-C. GRCh37 (hg19) VCF-style: chr12-133250163-G-C.
Other names: short protein forms Q453E.
Identifiers: ClinVar variation 405879 (VCV000405879.36), dbSNP rs781360770, ClinGen allele CA6893996.

ClinVar aggregate classification (germline): Conflicting classifications of pathogenicity. Review status: criteria provided, conflicting classifications (1 of 4 stars). 9 submissions from 9 submitters: Uncertain significance (7); Benign (1); Likely benign (1). Last evaluated 2026-04-01.

Conditions:
Inherited polyposis and early onset colorectal cancer - germline testing.
POLE-related disorder. Also called: POLE-related disorders; POLE-related condition.
Hereditary cancer-predisposing syndrome. Also called: Neoplastic Syndromes, Hereditary; Tumor predisposition; Hereditary Cancer Syndrome; Hereditary neoplastic syndrome. Identifiers: Orphanet 140162, MedGen C0027672, MeSH D009386, MONDO:0015356.

Allele frequency attached by ClinVar (database versions not stated): gnomAD 0.00004 and 0.00005; gnomAD exomes 0.00004; TOPMed 0.00005.
gnomAD v4.1: 67 of 1,611,728 alleles (0.0042%); highest among the groups gnomAD compares: Middle Eastern, 0.082%; no homozygotes.

Submissions (9):

Genomics and Molecular Medicine Service, East Genomic Laboratory Hub, NHS Genomic Medicine Service
Classification: Uncertain significance for Inherited polyposis and early onset colorectal cancer - germline testing. Last evaluated: 2026-04-01. Review status: criteria provided, single submitter. Criteria: ACGS Best Practice Guidelines for Variant Classification in Rare Disease 2020. Collection method: clinical testing. Allele origin: germline. Affected: yes.
Comment: BP4

PreventionGenetics, part of Exact Sciences
Classification: Uncertain significance for POLE-related condition. Last evaluated: 2026-01-21. Review status: criteria provided, single submitter. Criteria: ACMG Guidelines, 2015. Collection method: clinical testing. Allele origin: germline.
Comment: The POLE c.1357C>G variant is predicted to result in the amino acid substitution p.Gln453Glu. To our knowledge, this variant has not been reported in the literature. This variant is reported in 0.0058% of alleles in individuals of Latino descent in gnomAD. This variant has conflicting interpretations in ClinVar ranging from uncertain to likely benign (Variation ID: 405879). At this time, the clinical significance of this variant is uncertain due to the absence of conclusive functional and genetic evidence.

Labcorp Genetics (formerly Invitae), Labcorp
Classification: Likely benign. Last evaluated: 2026-01-08. Review status: criteria provided, single submitter. Criteria: Invitae Variant Classification Sherloc (09022015). Collection method: clinical testing. Allele origin: germline.

Ambry Genetics
Classification: Uncertain significance for Hereditary cancer-predisposing syndrome. Last evaluated: 2026-01-07. Review status: criteria provided, single submitter. Criteria: Ambry Variant Classification Scheme 2023. Collection method: clinical testing. Allele origin: germline.
Comment: The p.Q453E variant (also known as c.1357C>G), located in coding exon 13 of the POLE gene, results from a C to G substitution at nucleotide position 1357. The glutamine at codon 453 is replaced by glutamic acid, an amino acid with highly similar properties. This amino acid position is highly conserved in available vertebrate species. In addition, the in silico prediction for this alteration is inconclusive. Based on the available evidence, the clinical significance of this variant remains unclear.

Center for Genomic Medicine, Rigshospitalet, Copenhagen University Hospital
Classification: Benign. Last evaluated: 2025-12-29. Review status: criteria provided, single submitter. Criteria: ACMG Guidelines, 2015. Collection method: clinical testing. Allele origin: germline.
Comment: Classification criteria: BA1

Women's Health and Genetics/Laboratory Corporation of America, LabCorp
Classification: Uncertain significance. Last evaluated: 2025-03-03. Review status: criteria provided, single submitter. Criteria: LabCorp Variant Classification Summary - May 2015. Collection method: clinical testing. Allele origin: germline.
Comment: Variant summary: POLE c.1357C>G (p.Gln453Glu) results in a conservative amino acid change in the encoded protein sequence. Four of five in-silico tools predict a benign effect of the variant on protein function. Consensus agreement among computation tools predict no significant impact on normal splicing. However, these predictions have yet to be confirmed by functional studies. The variant allele was found at a frequency of 3.6e-05 in 249146 control chromosomes. The available data on variant occurrences in the general population are insufficient to allow any conclusion about variant significance. To our knowledge, no occurrence of c.1357C>G in individuals affected with Facial Dysmorphism, Immunodeficiency, Livedo, And Short Stature and no experimental evidence demonstrating its impact on protein function have been reported. ClinVar contains an entry for this variant (Variation ID: 405879). Based on the evidence outlined above, the variant was classified as uncertain significance.

GeneDx
Classification: Uncertain significance. Last evaluated: 2023-07-11. Review status: criteria provided, single submitter. Criteria: GeneDx Variant Classification Process June 2021. Collection method: clinical testing. Allele origin: germline. Affected: yes.
Comment: In silico analysis supports that this missense variant does not alter protein structure/function; Has not been previously published as pathogenic or benign to our knowledge; This variant is associated with the following publications: (PMID: 25032700, 29056344, 20951805)

Sema4
Classification: Uncertain significance for Hereditary cancer-predisposing syndrome. Last evaluated: 2021-09-07. Review status: criteria provided, single submitter. Criteria: Sema4 Curation Guidelines. Collection method: curation. Allele origin: germline.
Comment: To the best of our knowledge, the POLE c.1357C>G (p.Q453E) variant has not been reported in individuals with POLE-related disease. It was observed in 2/34566 chromosomes of the Latino subpopulation in the large and broad cohorts of the Genome Aggregation Database (PMID: 32461654). The variant has been reported in ClinVar (Variation ID: 405879). Functional studies have not been performed, and in silico predictions of the variant's effect on protein function are inconclusive. The evidence is insufficient to meet ACMG/AMP criteria for classifying the variant as benign or pathogenic. Thus, the clinical significance of this variant is currently uncertain.

Quest Diagnostics Nichols Institute San Juan Capistrano
Classification: Uncertain significance. Last evaluated: 2019-04-17. Review status: criteria provided, single submitter. Criteria: Quest Diagnostics criteria. Collection method: clinical testing. Allele origin: germline.

Literature cited by the submitters: PubMed 37848928 (cited by Center for Genomic Medicine, Rigshospitalet, Copenhagen University Hospital); PubMed 25032700 (cited by Quest Diagnostics Nichols Institute San Juan Capistrano); PubMed 29056344 (cited by Quest Diagnostics Nichols Institute San Juan Capistrano).